The following is an entry in ClinVar:

NM_203447.4(DOCK8):c.700del (p.Arg234fs)

Gene: DOCK8 (dedicator of cytokinesis 8; plus strand). Cytogenetic location: 9p24.3.
Variant type: Deletion.
Coding change: c.700del on transcript NM_203447.4 (MANE Select); coding-DNA position 700, one base deleted (A; older notation c.700delA).
Protein change: p.Arg234fs; shifts the reading frame from arginine 234.
Molecular consequence: frameshift variant.
Genome position (GRCh38, 1-based): chr9:312,125, A deleted. VCF-style (leftmost placement, unchanged base first): chr9-312124-TA-T. GRCh37 (hg19) VCF-style: chr9-312124-TA-T.
Other names: c.496del, p.Arg166fs (NM_001190458.2, NM_001193536.2); short protein forms R166fs, R234fs.
Identifiers: ClinVar variation 4713235 (VCV004713235.1).

ClinVar aggregate classification (germline): Pathogenic (1 of 4 stars; one submission).

Conditions:
Combined immunodeficiency due to DOCK8 deficiency (HIES2). Also called: HIES autosomal recessive; Hyper-IgE recurrent infection syndrome, autosomal recessive; HYPER-IgE RECURRENT INFECTION SYNDROME 2, AUTOSOMAL RECESSIVE; HYPER-IgE SYNDROME 2, AUTOSOMAL RECESSIVE, WITH RECURRENT INFECTIONS; DOCK8 Deficiency. Identifiers: Orphanet 217390, MedGen C4722305, MONDO:0009478, OMIM 243700.

Submission:

Labcorp Genetics (formerly Invitae), Labcorp
Classification: Pathogenic for Combined immunodeficiency due to DOCK8 deficiency. Last evaluated: 2025-10-07. Review status: criteria provided, single submitter. Criteria: Invitae Variant Classification Sherloc (09022015). Collection method: clinical testing. Allele origin: germline.
Comment: This sequence change creates a premature translational stop signal (p.Arg234Glyfs*40) in the DOCK8 gene. It is expected to result in an absent or disrupted protein product. Loss-of-function variants in DOCK8 are known to be pathogenic (PMID: 14722525, 19776401). This variant is not present in population databases (gnomAD no frequency). This variant has not been reported in the literature in individuals affected with DOCK8-related conditions. For these reasons, this variant has been classified as Pathogenic.

Literature cited by the submitters: PubMed 14722525; PubMed 19776401.